The following is an entry in ClinVar:

ClinVar aggregate classification (germline): Uncertain significance (1 of 4 stars; one submission).

Submission:

Labcorp Genetics (formerly Invitae), Labcorp
Classification: Uncertain significance. Last evaluated: 2018-07-17. Review status: criteria provided, single submitter. Criteria: Invitae Variant Classification Sherloc (09022015). Collection method: clinical testing. Allele origin: germline.
Comment: In summary, the available evidence is currently insufficient to determine the role of this variant in disease. Therefore, it has been classified as a Variant of Uncertain Significance. Algorithms developed to predict the effect of missense changes on protein structure and function (SIFT, PolyPhen-2, Align-GVGD) all suggest that this variant is likely to be disruptive, but these predictions have not been confirmed by published functional studies and their clinical significance is uncertain. This variant has not been reported in the literature in individuals with POLE-related disease. This variant is not present in population databases (ExAC no frequency). This sequence change replaces leucine with arginine at codon 1167 of the POLE protein (p.Leu1167Arg). The leucine residue is highly conserved and there is a moderate physicochemical difference between leucine and arginine.

NM_006231.4(POLE):c.3500T>G (p.Leu1167Arg)

Gene: POLE (DNA polymerase epsilon, catalytic subunit; minus strand). Cytogenetic location: 12q24.33.
Variant type: single nucleotide variant.
Coding change: c.3500T>G on transcript NM_006231.4 (MANE Select); coding-DNA position 3500, T replaced by G.
Protein change: p.Leu1167Arg; replaces leucine 1167 with arginine.
Molecular consequence: missense variant.
Genome position (GRCh38, 1-based): chr12:132,657,218, A>C on the plus strand (T>G on the coding strand, the complement: POLE is on the minus strand). VCF-style: chr12-132657218-A-C. GRCh37 (hg19) VCF-style: chr12-133233804-A-C.
Other names: short protein forms L1167R.
Identifiers: ClinVar variation 654862 (VCV000654862.8), dbSNP rs1593765990, ClinGen allele CA387388632.
Genomic context (GRCh38, chr12:132,657,218, plus strand): 5'-AAGAGCTCACTGATCTTCTTCTGCTTGTAGACATCATTCTTCTCCAGCAGTTTTTTGTGC[A>C]GCCAGTCGGGGTGTTTGACACGTGGCACTGGGTTCTTTACCTGTGTGAGGCCAACACCCA-3'
Protein context (NP_006222.2, residues 1157-1177): PVPRVKHPDW[Leu1167Arg]HKKLLEKNDV